The following is an entry in ClinVar:

NM_024306.5(FA2H):c.273C>T (p.Gly91=)

Gene: FA2H (fatty acid 2-hydroxylase; minus strand). Cytogenetic location: 16q23.1.
Variant type: single nucleotide variant.
Coding change: c.273C>T on transcript NM_024306.5 (MANE Select); coding-DNA position 273, C replaced by T.
Protein change: p.Gly91=; no amino-acid change (glycine 91 retained).
Molecular consequence: synonymous variant.
Genome position (GRCh38, 1-based): chr16:74,740,113, G>A on the plus strand (C>T on the coding strand, the complement: FA2H is on the minus strand). VCF-style: chr16-74740113-G-A. GRCh37 (hg19) VCF-style: chr16-74774011-G-A.
Identifiers: ClinVar variation 3389783 (VCV003389783.14).

ClinVar aggregate classification (germline): Likely benign (1 of 4 stars; one submission).

Submission:

CeGaT Center for Human Genetics Tuebingen
Classification: Likely benign. Last evaluated: 2024-09-01. Review status: criteria provided, single submitter. Criteria: CeGaT Center For Human Genetics Tuebingen Variant Classification Criteria Version 2. Collection method: clinical testing. Allele origin: germline. Affected: yes. Observed: 1 variant allele.
Comment: FA2H: PM2:Supporting, BP4, BP7